The following is an entry in ClinVar:

ClinVar aggregate classification (germline): Uncertain significance (1 of 4 stars; one submission).

Submission:

GeneDx
Classification: Uncertain significance. Last evaluated: 2020-10-29. Review status: criteria provided, single submitter. Criteria: GeneDx Variant Classification Process June 2021. Collection method: clinical testing. Allele origin: germline. Affected: yes.
Comment: Has not been previously published as pathogenic or benign to our knowledge; Not observed in large population cohorts (Lek et al., 2016); In silico analysis supports that this missense variant has a deleterious effect on protein structure/function

NM_022114.4(PRDM16):c.3532G>T (p.Asp1178Tyr)

Gene: PRDM16 (PR/SET domain 16; plus strand). Cytogenetic location: 1p36.32.
Variant type: single nucleotide variant.
Coding change: c.3532G>T on transcript NM_022114.4 (MANE Select); coding-DNA position 3532, G replaced by T.
Protein change: p.Asp1178Tyr; replaces aspartic acid 1178 with tyrosine.
Molecular consequence: missense variant.
Genome position (GRCh38, 1-based): chr1:3,431,976, G>T. VCF-style: chr1-3431976-G-T. GRCh37 (hg19) VCF-style: chr1-3348540-G-T.
Other names: c.3532G>T, p.Asp1178Tyr (NM_199454.3); short protein forms D1178Y.
Identifiers: ClinVar variation 1313641 (VCV001313641.2), dbSNP rs2100704235, ClinGen allele CA338004380.